The following is an entry in ClinVar:

ClinVar aggregate classification (germline): Uncertain significance (1 of 4 stars; one submission).

Allele frequency attached by ClinVar (database versions not stated): gnomAD exomes below 0.00001; ExAC 0.00001.
gnomAD v4.1: 4 of 1,613,590 alleles (0.00025%); highest among the groups gnomAD compares: South Asian, 0.0044%; 1 homozygote.

Submission:

Labcorp Genetics (formerly Invitae), Labcorp
Classification: Uncertain significance. Last evaluated: 2022-03-27. Review status: criteria provided, single submitter. Criteria: Invitae Variant Classification Sherloc (09022015). Collection method: clinical testing. Allele origin: germline.
Comment: This variant has not been reported in the literature in individuals affected with CPLANE1-related conditions. In summary, the available evidence is currently insufficient to determine the role of this variant in disease. Therefore, it has been classified as a Variant of Uncertain Significance. Advanced modeling of protein sequence and biophysical properties (such as structural, functional, and spatial information, amino acid conservation, physicochemical variation, residue mobility, and thermodynamic stability) performed at Invitae indicates that this missense variant is not expected to disrupt CPLANE1 protein function. This variant is present in population databases (rs761860332, gnomAD 0.003%). This sequence change replaces lysine, which is basic and polar, with arginine, which is basic and polar, at codon 2395 of the CPLANE1 protein (p.Lys2395Arg).

NM_001384732.1(CPLANE1):c.7184A>G (p.Lys2395Arg)

Gene: CPLANE1 (ciliogenesis and planar polarity effector complex subunit 1; minus strand). Cytogenetic location: 5p13.2.
Variant type: single nucleotide variant.
Coding change: c.7184A>G on transcript NM_001384732.1 (MANE Select); coding-DNA position 7184, A replaced by G.
Protein change: p.Lys2395Arg; replaces lysine 2395 with arginine.
Molecular consequence: missense variant.
Genome position (GRCh38, 1-based): chr5:37,168,840, T>C on the plus strand (A>G on the coding strand, the complement: CPLANE1 is on the minus strand). VCF-style: chr5-37168840-T-C. GRCh37 (hg19) VCF-style: chr5-37168942-T-C.
Other names: c.7184A>G, p.Lys2395Arg (NM_023073.4); short protein forms K2395R.
Identifiers: ClinVar variation 2118503 (VCV002118503.4), dbSNP rs761860332, ClinGen allele CA3238129.